The following is an entry in ClinVar:

NM_020964.3(EPG5):c.7172A>G (p.Asn2391Ser)

Gene: EPG5 (ectopic P-granules 5 autophagy tethering factor; minus strand). Cytogenetic location: 18q12.3.
Variant type: single nucleotide variant.
Coding change: c.7172A>G on transcript NM_020964.3 (MANE Select); coding-DNA position 7172, A replaced by G.
Protein change: p.Asn2391Ser; replaces asparagine 2391 with serine.
Molecular consequence: missense variant.
Genome position (GRCh38, 1-based): chr18:45,858,620, T>C on the plus strand (A>G on the coding strand, the complement: EPG5 is on the minus strand). VCF-style: chr18-45858620-T-C. GRCh37 (hg19) VCF-style: chr18-43438585-T-C.
Other names: c.7172A>G, p.Asn2391Ser (NM_001410858.1); c.7169A>G, p.Asn2390Ser (NM_001410859.1); short protein forms N2391S, N2390S.
Identifiers: ClinVar variation 1981371 (VCV001981371.2), dbSNP rs752571576, ClinGen allele CA8948066.

ClinVar aggregate classification (germline): Uncertain significance (1 of 4 stars; one submission).

Conditions:
Vici syndrome (VICIS). Identifiers: Orphanet 1493, MedGen C1855772, MONDO:0009452, OMIM 242840.

Allele frequency attached by ClinVar (database versions not stated): gnomAD exomes 0.00001; ExAC 0.00002; gnomAD 0.00003; TOPMed 0.00003.
gnomAD v4.1: 10 of 1,614,066 alleles (0.00062%); highest among the groups gnomAD compares: African/African-American, 0.013%; no homozygotes.

Submission:

Labcorp Genetics (formerly Invitae), Labcorp
Classification: Uncertain significance for Vici syndrome. Last evaluated: 2023-12-18. Review status: criteria provided, single submitter. Criteria: Invitae Variant Classification Sherloc (09022015). Collection method: clinical testing. Allele origin: germline.
Comment: This sequence change replaces asparagine, which is neutral and polar, with serine, which is neutral and polar, at codon 2391 of the EPG5 protein (p.Asn2391Ser). This variant is present in population databases (rs752571576, gnomAD 0.02%). This variant has not been reported in the literature in individuals affected with EPG5-related conditions. ClinVar contains an entry for this variant (Variation ID: 1981371). Advanced modeling of protein sequence and biophysical properties (such as structural, functional, and spatial information, amino acid conservation, physicochemical variation, residue mobility, and thermodynamic stability) performed at Invitae indicates that this missense variant is not expected to disrupt EPG5 protein function with a negative predictive value of 80%. In summary, the available evidence is currently insufficient to determine the role of this variant in disease. Therefore, it has been classified as a Variant of Uncertain Significance.